The following is an entry in ClinVar:

ClinVar aggregate classification (germline): Uncertain significance. Review status: criteria provided, multiple submitters, no conflicts (2 of 4 stars). 4 submissions from 4 submitters: Uncertain significance (3). 1 of the submissions does not count toward it. Last evaluated 2025-04-03.

Conditions:
Inborn genetic diseases. Identifiers: MedGen C0950123, MeSH D030342.
Glutaric acidemia type 2A.
Multiple acyl-CoA dehydrogenase deficiency (MADD). Also called: ETHYLMALONIC-ADIPICACIDURIA; GA II; Glutaric aciduria, type 2; Glutaric acidemia type II; GA 2; Glutaric Acidemia type 2. Identifiers: Orphanet 26791, MedGen C0268596, MONDO:0009282, OMIM 231680.

Allele frequency attached by ClinVar (database versions not stated): gnomAD 0.00001; gnomAD exomes 0.00001 and 0.00003; TOPMed 0.00001.
gnomAD v4.1: 47 of 1,611,238 alleles (0.0029%); highest among the groups gnomAD compares: Non-Finnish European, 0.0038%; no homozygotes.

Submissions (4):

Labcorp Genetics (formerly Invitae), Labcorp
Classification: Uncertain significance for Multiple acyl-CoA dehydrogenase deficiency. Last evaluated: 2025-04-03. Review status: criteria provided, single submitter. Criteria: Invitae Variant Classification Sherloc (09022015). Collection method: clinical testing. Allele origin: germline.
Comment: This sequence change replaces arginine, which is basic and polar, with histidine, which is basic and polar, at codon 249 of the ETFA protein (p.Arg249His). The frequency data for this variant in the population databases is considered unreliable, as metrics indicate poor data quality at this position in the gnomAD database. This variant has not been reported in the literature in individuals affected with ETFA-related conditions. ClinVar contains an entry for this variant (Variation ID: 317155). Invitae Evidence Modeling of protein sequence and biophysical properties (such as structural, functional, and spatial information, amino acid conservation, physicochemical variation, residue mobility, and thermodynamic stability) indicates that this missense variant is expected to disrupt ETFA protein function with a positive predictive value of 80%. In summary, the available evidence is currently insufficient to determine the role of this variant in disease. Therefore, it has been classified as a Variant of Uncertain Significance.

Ambry Genetics
Classification: Uncertain significance for Inborn genetic diseases. Last evaluated: 2021-07-13. Review status: criteria provided, single submitter. Criteria: Ambry Variant Classification Scheme 2023. Collection method: clinical testing. Allele origin: germline.

Illumina Laboratory Services, Illumina
Classification: Uncertain significance for Multiple acyl-CoA dehydrogenase deficiency. Last evaluated: 2018-01-13. Review status: criteria provided, single submitter. Criteria: ICSL Variant Classification Criteria 13 December 2019. Collection method: clinical testing. Allele origin: germline.

Natera, Inc.
Classification: Uncertain significance for Glutaric acidemia type 2A. Last evaluated: 2021-04-21. Review status: no assertion criteria provided. Collection method: clinical testing. Allele origin: germline. Not counted in ClinVar's aggregate classification.

NM_000126.4(ETFA):c.746G>A (p.Arg249His)

Gene: ETFA (electron transfer flavoprotein subunit alpha; minus strand). Cytogenetic location: 15q24.2.
Variant type: single nucleotide variant.
Coding change: c.746G>A on transcript NM_000126.4 (MANE Select); coding-DNA position 746, G replaced by A.
Protein change: p.Arg249His; replaces arginine 249 with histidine.
Molecular consequence: missense variant.
Genome position (GRCh38, 1-based): chr15:76,274,482, C>T on the plus strand (G>A on the coding strand, the complement: ETFA is on the minus strand). VCF-style: chr15-76274482-C-T. GRCh37 (hg19) VCF-style: chr15-76566823-C-T.
Other names: c.599G>A, p.Arg200His (NM_001127716.2); short protein forms R249H, R200H.
Identifiers: ClinVar variation 317155 (VCV000317155.13), dbSNP rs886051488, ClinGen allele CA10647414.